The following is an entry in ClinVar:

NM_024408.4(NOTCH2):c.4355G>A (p.Gly1452Glu)

Gene: NOTCH2 (notch receptor 2; minus strand). Cytogenetic location: 1p12.
Variant type: single nucleotide variant.
Coding change: c.4355G>A on transcript NM_024408.4 (MANE Select); coding-DNA position 4355, G replaced by A.
Protein change: p.Gly1452Glu; replaces glycine 1452 with glutamic acid.
Molecular consequence: missense variant.
Genome position (GRCh38, 1-based): chr1:119,925,461, C>T on the plus strand (G>A on the coding strand, the complement: NOTCH2 is on the minus strand). VCF-style: chr1-119925461-C-T. GRCh37 (hg19) VCF-style: chr1-120468084-C-T.
Other names: c.4355G>A (NM_024408.3); short protein forms G1452E.
Identifiers: ClinVar variation 2144608 (VCV002144608.7), dbSNP rs587650323, ClinGen allele CA1039867.

ClinVar aggregate classification (germline): Conflicting classifications of pathogenicity. Review status: criteria provided, conflicting classifications (1 of 4 stars). 3 submissions from 3 submitters: Uncertain significance (1); Likely benign (1). 1 of the submissions does not count toward it. Last evaluated 2025-08-24.

Conditions:
NOTCH2-related disorder. Also called: NOTCH2-related condition.
Alagille syndrome due to a NOTCH2 point mutation. Also called: Alagille syndrome 2. Identifiers: Orphanet 261629, Orphanet 52, MedGen C1857761, MONDO:0012439, OMIM 610205.
Hajdu-Cheney syndrome (HJCYS). Also called: ACROOSTEOLYSIS WITH OSTEOPOROSIS AND CHANGES IN SKULL AND MANDIBLE; Acroosteolysis dominant type; SERPENTINE FIBULA-POLYCYSTIC KIDNEY SYNDROME. Identifiers: Orphanet 955, MedGen C0917715, MONDO:0007057, OMIM 102500.

Allele frequency attached by ClinVar (database versions not stated): TOPMed 0.00001; gnomAD 0.00002; gnomAD exomes 0.00007; 1000 Genomes Project 30x 0.00016; 1000 Genomes Project 0.00020; ExAC 0.00020.
gnomAD v4.1: 110 of 1,614,186 alleles (0.0068%); highest among the groups gnomAD compares: South Asian, 0.11%; 1 homozygote.

Submissions (3):

Labcorp Genetics (formerly Invitae), Labcorp
Classification: Likely benign for Hajdu-Cheney syndrome. Last evaluated: 2025-08-24. Review status: criteria provided, single submitter. Criteria: Invitae Variant Classification Sherloc (09022015). Collection method: clinical testing. Allele origin: germline.

Fulgent Genetics
Classification: Uncertain significance for Hajdu-Cheney syndrome; Alagille syndrome due to a NOTCH2 point mutation. Last evaluated: 2024-02-13. Review status: criteria provided, single submitter. Criteria: ACMG Guidelines, 2015. Collection method: clinical testing. Allele origin: germline.

PreventionGenetics, part of Exact Sciences
Classification: Likely benign for NOTCH2-related condition. Last evaluated: 2022-08-17. Review status: no assertion criteria provided. Collection method: clinical testing. Allele origin: germline. Not counted in ClinVar's aggregate classification.
Comment: This variant is classified as likely benign based on ACMG/AMP sequence variant interpretation guidelines (Richards et al. 2015 PMID: 25741868, with internal and published modifications).